The following is an entry in ClinVar:

ClinVar aggregate classification (germline): Uncertain significance (1 of 4 stars; one submission).

Conditions:
Progressive sclerosing poliodystrophy (MTDPS4A). Also called: Alpers-Huttenlocher Syndrome (AHS); Alpers Syndrome; ALPERS PROGRESSIVE INFANTILE POLIODYSTROPHY; Mitochondrial DNA depletion syndrome 4A (Alpers type); ALPERS DIFFUSE DEGENERATION OF CEREBRAL GRAY MATTER WITH HEPATIC CIRRHOSIS; Alpers-Huttenlocher Syndrome. Identifiers: Orphanet 726, MedGen C0205710, MONDO:0008758, OMIM 203700.

Allele frequency attached by ClinVar (database versions not stated): TOPMed 0.00001.

Submission:

Wong Mito Lab, Molecular and Human Genetics, Baylor College of Medicine
Classification: Uncertain significance for Progressive sclerosing poliodystrophy. Last evaluated: 2018-10-01. Review status: criteria provided, single submitter. Criteria: ACMG Guidelines, 2015. Collection method: clinical testing. Allele origin: germline.
Comment: The NM_002693.2:c.70C>T (NP_002684.1:p.Arg24Cys) [GRCH38: NC_000015.10:g.89333685G>A] variant in POLG gene is interpretated to be a Uncertain Significance based on ACMG guidelines (PMID: 25741868). This variant meets the following evidence codes reported in the ACMG-guideline. PP3:Computational evidence/predictors indicate the variant has deleterious effect on POLG structure, function, or protein-protein interaction. Based on the evidence criteria codes applied, the variant is suggested to be Uncertain Significance.

NM_002693.3(POLG):c.70C>T (p.Arg24Cys)

Genes: POLG (DNA polymerase gamma, catalytic subunit; minus strand), POLGARF (POLG alternative reading frame; minus strand). Cytogenetic location: 15q26.1.
Variant type: single nucleotide variant.
Coding change: c.70C>T on transcript NM_002693.3 (MANE Select); coding-DNA position 70, C replaced by T.
Protein change: p.Arg24Cys; replaces arginine 24 with cysteine.
Molecular consequence: missense variant.
Genome position (GRCh38, 1-based): chr15:89,333,685, G>A on the plus strand (C>T on the coding strand, the complement: POLG is on the minus strand). VCF-style: chr15-89333685-G-A. GRCh37 (hg19) VCF-style: chr15-89876916-G-A.
Other names: c.70C>T, p.Arg24Cys (NM_001126131.2); short protein forms R24C.
Identifiers: ClinVar variation 619444 (VCV000619444.1), dbSNP rs1196273210, ClinGen allele CA10602296.